The following is an entry in ClinVar:

NM_018127.7(ELAC2):c.1731_1732delinsCT (p.Val578Leu)

Gene: ELAC2 (elaC ribonuclease Z 2; minus strand). Cytogenetic location: 17p12.
Variant type: Indel.
Coding change: c.1731_1732delinsCT on transcript NM_018127.7 (MANE Select); coding-DNA positions 1731 to 1732, GG replaced by CT.
Protein change: p.Val578Leu; replaces valine 578 with leucine.
Molecular consequence: missense variant.
Genome position (GRCh38, 1-based): chr17:12,995,779-12,995,780, CC replaced by AG on the plus strand (GG replaced by CT on the coding strand, the reverse complement: ELAC2 is on the minus strand). VCF-style: chr17-12995779-CC-AG. GRCh37 (hg19) VCF-style: chr17-12899096-CC-AG.
Other names: c.1611_1612delinsCT, p.Val538Leu (NM_001165962.2); c.1728_1729delinsCT, p.Val577Leu (NM_173717.2); short protein forms V578L, V538L, V577L.
Identifiers: ClinVar variation 1426520 (VCV001426520.6), dbSNP rs2143562254, ClinGen allele CA2573153046.

ClinVar aggregate classification (germline): Uncertain significance (1 of 4 stars; one submission).

Conditions:
Combined oxidative phosphorylation defect type 17. Also called: Combined oxidative phosphorylation deficiency 17. Identifiers: Orphanet 369913, MedGen C3809526, MONDO:0014190, OMIM 615440.

Submission:

Labcorp Genetics (formerly Invitae), Labcorp
Classification: Uncertain significance for Combined oxidative phosphorylation defect type 17. Last evaluated: 2022-03-08. Review status: criteria provided, single submitter. Criteria: Invitae Variant Classification Sherloc (09022015). Collection method: clinical testing. Allele origin: germline.
Comment: In summary, the available evidence is currently insufficient to determine the role of this variant in disease. Therefore, it has been classified as a Variant of Uncertain Significance. Experimental studies and prediction algorithms are not available or were not evaluated, and the functional significance of this variant is currently unknown. This variant has not been reported in the literature in individuals affected with ELAC2-related conditions. Information on the frequency of this variant in the gnomAD database is not available, as this variant may be reported differently in the database. This sequence change replaces valine with leucine at codon 578 of the ELAC2 protein (p.Val578Leu). The valine residue is moderately conserved and there is a small physicochemical difference between valine and leucine.